The following is an entry in ClinVar:

ClinVar aggregate classification (germline): Likely benign (1 of 4 stars; one submission).

Submission:

GeneDx
Classification: Likely benign. Last evaluated: 2018-06-16. Review status: criteria provided, single submitter. Criteria: GeneDx Variant Classification (06012015). Collection method: clinical testing. Allele origin: germline. Affected: yes.
Comment: This variant is considered likely benign or benign based on one or more of the following criteria: it is a conservative change, it occurs at a poorly conserved position in the protein, it is predicted to be benign by multiple in silico algorithms, and/or has population frequency not consistent with disease.

NM_000169.3(GLA):c.547+163AATT[3]

Genes: GLA (galactosidase alpha; minus strand), RPL36A-HNRNPH2 (RPL36A-HNRNPH2 readthrough; plus strand). Cytogenetic location: Xq22.1.
Variant type: Microsatellite.
Coding change: c.547+163AATT[3] on transcript NM_000169.3 (MANE Select); three copies in a row of the 4-base unit AATT starting at c.547+163; the reference has four copies in a row; one copy, 4 bases deleted.
Molecular consequence: intron variant. On other transcripts: 3 prime UTR variant (1).
Genome position (GRCh38, 1-based): chrX:101,401,454-101,401,457, AATT deleted on the plus strand (AATT on the coding strand, the reverse complement: GLA is on the minus strand); deleting any 4 consecutive bases within chrX:101,401,454-101,401,472 gives the same sequence; the position shown is the placement nearest the transcript's 3' end. VCF-style (leftmost placement, unchanged base first): chrX-101401453-GAATT-G. GRCh37 (hg19) VCF-style: chrX-100656441-GAATT-G.
Other names: c.*74AATT[3] (NM_001406749.1); c.300+5997AATT[3] (NM_001199973.2); c.177+9632AATT[3] (NM_001199974.2); c.670+163AATT[3] (NM_001406747.1); c.547+163AATT[3] (NM_001406748.1).
Identifiers: ClinVar variation 673556 (VCV000673556.1), dbSNP rs200739167, ClinGen allele CA517521734.